The following is an entry in ClinVar:

NM_032444.4(SLX4):c.3830G>A (p.Ser1277Asn)

Gene: SLX4 (SLX4 structure-specific endonuclease subunit; minus strand). Cytogenetic location: 16p13.3.
Variant type: single nucleotide variant.
Coding change: c.3830G>A on transcript NM_032444.4 (MANE Select); coding-DNA position 3830, G replaced by A.
Protein change: p.Ser1277Asn; replaces serine 1277 with asparagine.
Molecular consequence: missense variant.
Genome position (GRCh38, 1-based): chr16:3,589,808, C>T on the plus strand (G>A on the coding strand, the complement: SLX4 is on the minus strand). VCF-style: chr16-3589808-C-T. GRCh37 (hg19) VCF-style: chr16-3639809-C-T.
Other names: short protein forms S1277N.
Identifiers: ClinVar variation 803198 (VCV000803198.10), dbSNP rs1596520868, ClinGen allele CA394519172.

ClinVar aggregate classification (germline): Uncertain significance. Review status: criteria provided, multiple submitters, no conflicts (2 of 4 stars). 2 submissions from 2 submitters: Uncertain significance (2). Last evaluated 2025-09-02.

Conditions:
Fanconi anemia (FA). Also called: Fanconi's anemia. Identifiers: Orphanet 84, MedGen C0015625, MeSH D005199, MONDO:0019391.
Fanconi anemia complementation group A (FANCA). Also called: Fanconi anemia, group A; FANCA-Related Fanconi Anemia. Identifiers: Orphanet 84, MedGen C3469521, MONDO:0009215, OMIM 227650.

Submissions (2):

Labcorp Genetics (formerly Invitae), Labcorp
Classification: Uncertain significance for Fanconi anemia. Last evaluated: 2025-09-02. Review status: criteria provided, single submitter. Criteria: Invitae Variant Classification Sherloc (09022015). Collection method: clinical testing. Allele origin: germline.
Comment: This sequence change replaces serine, which is neutral and polar, with asparagine, which is neutral and polar, at codon 1277 of the SLX4 protein (p.Ser1277Asn). This variant is not present in population databases (gnomAD no frequency). This variant has not been reported in the literature in individuals affected with SLX4-related conditions. ClinVar contains an entry for this variant (Variation ID: 803198). An algorithm developed to predict the effect of missense changes on protein structure and function (PolyPhen-2) suggests that this variant is likely to be disruptive. In summary, the available evidence is currently insufficient to determine the role of this variant in disease. Therefore, it has been classified as a Variant of Uncertain Significance.

Mendelics
Classification: Uncertain significance for Fanconi anemia complementation group A. Last evaluated: 2019-05-28. Review status: criteria provided, single submitter. Criteria: Mendelics Assertion Criteria 2017. Collection method: clinical testing. Allele origin: unknown.